The following is an entry in ClinVar:

NM_000059.4(BRCA2):c.240dup (p.Phe81fs)

Gene: BRCA2 (BRCA2 DNA repair associated; plus strand). Cytogenetic location: 13q13.1.
Variant type: Duplication.
Coding change: c.240dup on transcript NM_000059.4 (MANE Select); coding-DNA position 240, one base duplicated (A; older notation c.240dupA).
Protein change: p.Phe81fs; shifts the reading frame from phenylalanine 81.
Molecular consequence: frameshift variant.
Genome position (GRCh38, 1-based): chr13:32,319,249, A duplicated. VCF-style (leftmost placement, unchanged base first): chr13-32319248-T-TA. GRCh37 (hg19) VCF-style: chr13-32893385-T-TA.
Other names: c.240dupA (NM_000059.3); short protein forms F81fs.
Identifiers: ClinVar variation 1075496 (VCV001075496.8), dbSNP rs2138705179, ClinGen allele CA2499222019.

ClinVar aggregate classification (germline): Pathogenic. Review status: criteria provided, multiple submitters, no conflicts (2 of 4 stars). 2 submissions from 2 submitters: Pathogenic (2). Last evaluated 2023-03-17.

Conditions:
Hereditary cancer-predisposing syndrome. Also called: Tumor predisposition; Hereditary neoplastic syndrome; Neoplastic Syndromes, Hereditary; Hereditary Cancer Syndrome. Identifiers: Orphanet 140162, MedGen C0027672, MeSH D009386, MONDO:0015356.
Hereditary breast ovarian cancer syndrome. Also called: Hereditary breast and ovarian cancer; Breast and ovarian cancer; BRCA1- and BRCA2-Associated Hereditary Breast and Ovarian Cancer; Hereditary breast and/or ovarian cancer syndrome; Hereditary breast and ovarian cancer syndrome; Hereditary breast and ovarian cancer syndrome (HBOC). Identifiers: Orphanet 145, MedGen C0677776, MeSH D061325, MONDO:0003582. Disease mechanism: loss of function.

Submissions (2):

Ambry Genetics
Classification: Pathogenic for Hereditary cancer-predisposing syndrome. Last evaluated: 2023-03-17. Review status: criteria provided, single submitter. Criteria: Ambry Variant Classification Scheme 2023. Collection method: clinical testing. Allele origin: germline.
Comment: The c.240dupA pathogenic mutation, located in coding exon 2 of the BRCA2 gene, results from a duplication of A at nucleotide position 240, causing a translational frameshift with a predicted alternate stop codon (p.F81Ifs*20). This variant is considered to be rare based on population cohorts in the Genome Aggregation Database (gnomAD). This alteration is expected to result in loss of function by premature protein truncation or nonsense-mediated mRNA decay. As such, this alteration is interpreted as a disease-causing mutation.

Labcorp Genetics (formerly Invitae), Labcorp
Classification: Pathogenic for Hereditary breast ovarian cancer syndrome. Last evaluated: 2020-08-05. Review status: criteria provided, single submitter. Criteria: Invitae Variant Classification Sherloc (09022015). Collection method: clinical testing. Allele origin: germline.
Comment: For these reasons, this variant has been classified as Pathogenic. Loss-of-function variants in BRCA2 are known to be pathogenic (PMID: 20104584). This variant has not been reported in the literature in individuals with BRCA2-related conditions. This variant is not present in population databases (ExAC no frequency). This sequence change creates a premature translational stop signal (p.Phe81Ilefs*20) in the BRCA2 gene. It is expected to result in an absent or disrupted protein product.

Literature cited by the submitters: PubMed 20104584 (cited by Labcorp Genetics (formerly Invitae), Labcorp).